The following is an entry in ClinVar:

ClinVar aggregate classification (germline): Uncertain significance. Review status: criteria provided, multiple submitters, no conflicts (2 of 4 stars). 2 submissions from 2 submitters: Uncertain significance (2). Last evaluated 2025-05-15.

Conditions:
Inborn genetic diseases. Identifiers: MedGen C0950123, MeSH D030342.

Allele frequency attached by ClinVar (database versions not stated): TOPMed 0.00005; ExAC 0.00002; gnomAD 0.00003.
gnomAD v4.1: 32 of 1,613,156 alleles (0.002%); highest among the groups gnomAD compares: East Asian, 0.0045%; no homozygotes.

Submissions (2):

Ambry Genetics
Classification: Uncertain significance for Inborn genetic diseases. Last evaluated: 2025-05-15. Review status: criteria provided, single submitter. Criteria: Ambry Variant Classification Scheme 2023. Collection method: clinical testing. Allele origin: germline.

Labcorp Genetics (formerly Invitae), Labcorp
Classification: Uncertain significance. Last evaluated: 2024-12-22. Review status: criteria provided, single submitter. Criteria: Invitae Variant Classification Sherloc (09022015). Collection method: clinical testing. Allele origin: germline.
Comment: This sequence change replaces arginine, which is basic and polar, with tryptophan, which is neutral and slightly polar, at codon 733 of the OBSL1 protein (p.Arg733Trp). This variant is present in population databases (rs761219588, gnomAD 0.01%). This variant has not been reported in the literature in individuals affected with OBSL1-related conditions. ClinVar contains an entry for this variant (Variation ID: 2178220). An algorithm developed to predict the effect of missense changes on protein structure and function (PolyPhen-2) suggests that this variant is likely to be disruptive. In summary, the available evidence is currently insufficient to determine the role of this variant in disease. Therefore, it has been classified as a Variant of Uncertain Significance.

NM_015311.3(OBSL1):c.2197C>T (p.Arg733Trp)

Gene: OBSL1 (obscurin like cytoskeletal adaptor 1; minus strand). Cytogenetic location: 2q35.
Variant type: single nucleotide variant.
Coding change: c.2197C>T on transcript NM_015311.3 (MANE Select); coding-DNA position 2197, C replaced by T.
Protein change: p.Arg733Trp; replaces arginine 733 with tryptophan.
Molecular consequence: missense variant.
Genome position (GRCh38, 1-based): chr2:219,565,452, G>A on the plus strand (C>T on the coding strand, the complement: OBSL1 is on the minus strand). VCF-style: chr2-219565452-G-A. GRCh37 (hg19) VCF-style: chr2-220430174-G-A.
Other names: c.2197C>T, p.Arg733Trp (NM_001173408.2, NM_001173431.2); c.2197C>T (NM_015311.2); short protein forms R733W.
Identifiers: ClinVar variation 2178220 (VCV002178220.4), dbSNP rs761219588, ClinGen allele CA2131294.
Genomic context (GRCh38, chr2:219,565,452, plus strand): 5'-CATCCTTGTACCAGGTTGCCGGGAAGTCCACCCTTGAGAGCTCACAAGTCAGCACCACCC[G>A]CTCTGAGGTTGTGAAGGTCAACGACACCCTGTCCTGGGGGCTCAGGATGTGCACCGGGCT-3'
Protein context (NP_056126.1, residues 723-743): RVSLTFTTSE[Arg733Trp]VVLTCELSRV